The following is an entry in ClinVar:

ClinVar aggregate classification (germline): Benign/Likely benign. Review status: criteria provided, multiple submitters, no conflicts (2 of 4 stars). 5 submissions from 5 submitters: Benign (2); Likely benign (3). Last evaluated 2026-01-27.

Conditions:
Age related macular degeneration 1 (ARMD1). Also called: MACULOPATHY, AGE-RELATED, 1. Identifiers: MedGen C1864205, MONDO:0011285, OMIM 603075.

Allele frequency attached by ClinVar (database versions not stated): 1000 Genomes Project 0.00160; 1000 Genomes Project 30x 0.00172; TOPMed 0.00389; gnomAD 0.00426 and 0.00443; ESP Exome Variant Server 0.00546.
gnomAD v4.1: 9,798 of 1,612,854 alleles (0.61%); highest among the groups gnomAD compares: Non-Finnish European, 0.78%; 40 homozygotes.

Submissions (5):

Labcorp Genetics (formerly Invitae), Labcorp
Classification: Benign. Last evaluated: 2026-01-27. Review status: criteria provided, single submitter. Criteria: Invitae Variant Classification Sherloc (09022015). Collection method: clinical testing. Allele origin: germline.

Genome-Nilou Lab
Classification: Benign for Age related macular degeneration 1. Last evaluated: 2023-04-11. Review status: criteria provided, single submitter. Criteria: ACMG Guidelines, 2015. Collection method: clinical testing. Allele origin: germline. Affected: no.

CeGaT Center for Human Genetics Tuebingen
Classification: Likely benign. Last evaluated: 2022-05-01. Review status: criteria provided, single submitter. Criteria: CeGaT Center For Human Genetics Tuebingen Variant Classification Criteria Version 2. Collection method: clinical testing. Allele origin: germline. Affected: yes. Observed: 3 variant alleles.
Comment: HMCN1: BP4, BP7

Illumina Laboratory Services, Illumina
Classification: Likely benign for Age related macular degeneration 1. Last evaluated: 2018-01-12. Review status: criteria provided, single submitter. Criteria: ICSL Variant Classification Criteria 13 December 2019. Collection method: clinical testing. Allele origin: germline.
Comment: This variant was observed in the ICSL laboratory as part of a predisposition screen in an ostensibly healthy population. It had not been previously curated by ICSL or reported in the Human Gene Mutation Database (HGMD: prior to June 1st, 2018), and was therefore a candidate for classification through an automated scoring system. Utilizing variant allele frequency, disease prevalence and penetrance estimates, and inheritance mode, an automated score was calculated to assess if this variant is too frequent to cause the disease. Based on the score and internal cut-off values, a variant classified as likely benign is not then subjected to further curation. The score for this variant resulted in a classification of likely benign for this disease.

Breakthrough Genomics
Classification: Likely benign. Review status: criteria provided, single submitter. Criteria: ACMG Guidelines, 2015. Collection method: not provided. Allele origin: germline. Inheritance: Autosomal dominant inheritance. Affected: yes.

NM_031935.3(HMCN1):c.11556A>T (p.Ser3852=)

Gene: HMCN1 (hemicentin 1; plus strand). Cytogenetic location: 1q31.1.
Variant type: single nucleotide variant.
Coding change: c.11556A>T on transcript NM_031935.3 (MANE Select); coding-DNA position 11556, A replaced by T.
Protein change: p.Ser3852=; no amino-acid change (serine 3852 retained).
Molecular consequence: synonymous variant.
Genome position (GRCh38, 1-based): chr1:186,115,409, A>T. VCF-style: chr1-186115409-A-T. GRCh37 (hg19) VCF-style: chr1-186084541-A-T.
Identifiers: ClinVar variation 294230 (VCV000294230.38), dbSNP rs144346158, ClinGen allele CA1294074.